The following is an entry in ClinVar:

NM_152564.5(VPS13B):c.5845C>T (p.Arg1949Ter)

Gene: VPS13B (vacuolar protein sorting 13 homolog B; plus strand). Cytogenetic location: 8q22.2.
Variant type: single nucleotide variant.
Coding change: c.5845C>T on transcript NM_152564.5 (MANE Select); coding-DNA position 5845, C replaced by T.
Protein change: p.Arg1949Ter; replaces arginine 1949 with a stop codon.
Molecular consequence: nonsense.
Genome position (GRCh38, 1-based): chr8:99,642,435, C>T. VCF-style: chr8-99642435-C-T. GRCh37 (hg19) VCF-style: chr8-100654663-C-T.
Other names: c.5920C>T, p.Arg1974Ter (NM_017890.5); short protein forms R1949*, R1974*.
Identifiers: ClinVar variation 68089 (VCV000068089.18), dbSNP rs180177365, ClinGen allele CA284795.

ClinVar aggregate classification (germline): Pathogenic/Likely pathogenic. Review status: criteria provided, multiple submitters, no conflicts (2 of 4 stars). 9 submissions from 9 submitters: Pathogenic (4); Likely pathogenic (2). 3 of the submissions do not count toward it. Last evaluated 2026-01-12.

Conditions:
VPS13B-related disorder. Also called: VPS13B-related condition.
Cohen syndrome (COH1). Also called: PEPPER SYNDROME; Cutis verticis gyrata, retinitis pigmentosa, and sensorineural deafness. Identifiers: Orphanet 193, MedGen C0265223, MONDO:0008999, OMIM 216550.

Allele frequency attached by ClinVar (database versions not stated): gnomAD exomes 0.00002 and 0.00001; TOPMed below 0.00001; ExAC 0.00001.
gnomAD v4.1: 10 of 1,613,946 alleles (0.00062%); highest among the groups gnomAD compares: Admixed American, 0.0033%; no homozygotes.

Submissions (9):

Labcorp Genetics (formerly Invitae), Labcorp
Classification: Pathogenic for Cohen syndrome. Last evaluated: 2026-01-12. Review status: criteria provided, single submitter. Criteria: Invitae Variant Classification Sherloc (09022015). Collection method: clinical testing. Allele origin: germline.
Comment: This sequence change creates a premature translational stop signal (p.Arg1974*) in the VPS13B gene. It is expected to result in an absent or disrupted protein product. Loss-of-function variants in VPS13B are known to be pathogenic (PMID: 15141358, 16648375, 20461111). This variant is present in population databases (rs180177365, gnomAD 0.006%). This premature translational stop signal has been observed in individual(s) with Cohen syndrome (PMID: 16648375, 19006247). ClinVar contains an entry for this variant (Variation ID: 68089). Algorithms developed to predict the effect of sequence changes on RNA splicing suggest that this variant may disrupt the consensus splice site. For these reasons, this variant has been classified as Pathogenic.

GeneDx
Classification: Pathogenic. Last evaluated: 2025-03-12. Review status: criteria provided, single submitter. Criteria: GeneDx Variant Classification Process June 2021. Collection method: clinical testing. Allele origin: germline. Affected: yes.
Comment: Identified in patients with Cohen syndrome referred for genetic testing at GeneDx and in published literature (PMID: 16648375); Nonsense variant predicted to result in protein truncation or nonsense mediated decay in a gene for which loss-of-function is a known mechanism of disease; Not observed at significant frequency in large population cohorts (gnomAD); This variant is associated with the following publications: (PMID: 25525159, 16648375)

Natera, Inc.
Classification: Pathogenic for Cohen syndrome. Last evaluated: 2024-05-16. Review status: criteria provided, single submitter. Criteria: Natera Variant Classification Schema (03/2026). Collection method: clinical testing. Allele origin: germline.
Comment: The c.5920C>T variant in VPS13B is a nonsense variant predicted to introduce a stop codon at amino acid 1974. This variant is expected to result in nonsense mediated decay, truncation, or a dysfunctional protein product. This variant is rare in the general population with a frequency below the threshold expected for the associated phenotype(s). This variant has been observed in one or more individuals affected with the associated recessive disease, as either homozygous or compound heterozygous with a second variant (PMID: 16648375). Given the available evidence, this variant is classified as Pathogenic.

Blueprint Genetics
Classification: Likely pathogenic for VPS13B-related disorders. Last evaluated: 2023-04-04. Review status: criteria provided, single submitter. Criteria: ACMG Guidelines, 2015. Collection method: clinical testing. Allele origin: germline. Affected: yes. Observed: 2 variant alleles.

Women's Health and Genetics/Laboratory Corporation of America, LabCorp
Classification: Likely pathogenic for Cohen syndrome. Last evaluated: 2022-10-25. Review status: criteria provided, single submitter. Criteria: LabCorp Variant Classification Summary - May 2015. Collection method: clinical testing. Allele origin: germline.
Comment: Variant summary: VPS13B c.5920C>T (p.Arg1974X) results in a premature termination codon, predicted to cause a truncation of the encoded protein or absence of the protein due to nonsense mediated decay, which are commonly known mechanisms for disease. Truncations downstream of this position have been classified as pathogenic by our laboratory. The variant allele was found at a frequency of 1.6e-05 in 250916 control chromosomes (gnomAD). c.5920C>T has been reported in the literature in at least one compound heterozygous individual affected with Cohen Syndrome (Seifert_2006). To our knowledge, no experimental evidence demonstrating an impact on protein function has been reported. Four ClinVar submitters have assessed the variant since 2014: four classified the variant as pathogenic. Based on the evidence outlined above, the variant was classified as likely pathogenic.

Athena Diagnostics
Classification: Pathogenic. Last evaluated: 2016-05-06. Review status: criteria provided, single submitter. Criteria: Athena Diagnostics Criteria. Collection method: clinical testing. Allele origin: germline.

Counsyl
Classification: Likely pathogenic for Cohen syndrome. Last evaluated: 2014-02-18. Review status: no assertion criteria provided. Collection method: clinical testing. Allele origin: unknown. Not counted in ClinVar's aggregate classification.

Department of Pathology and Laboratory Medicine, Sinai Health System
Classification: Pathogenic. Review status: no assertion criteria provided. Collection method: clinical testing. Allele origin: unknown. Affected: yes. Study: The Canadian Open Genetics Repository (COGR). Not counted in ClinVar's aggregate classification.
Comment: The VPS13B p.R1974* variant was identified in 1 of 48 proband chromosomes (frequency: 0.021) from individuals with Cohen syndrome (Seifert_2006_PMID:16648375). The variant was identified in dbSNP (ID: rs180177365) and ClinVar (classified as pathogenic by Athena Diagnostics Inc, GeneDx and SNPedia). The variant was identified in control databases in 4 of 250916 chromosomes at a frequency of 0.00001594 (Genome Aggregation Database March 6, 2019, v2.1.1). The variant was observed in the following populations: Latino in 2 of 34476 chromosomes (freq: 0.000058) and European (non-Finnish) in 2 of 113478 chromosomes (freq: 0.000018), but was not observed in the African, Ashkenazi Jewish, East Asian, European (Finnish), Other, or South Asian populations. The c.5920C>T variant leads to a premature stop codon at position 1974 which is predicted to lead to a truncated or absent protein and loss of function. Loss of function variants of the VPS13B gene are an established mechanism of disease in Cohen syndrome and is the type of variant expected to cause the disorder when found in the homozygous or compound heterozygous state. The variant occurs outside of the splicing consensus sequence and 3 of 4 in silico or computational prediction software programs (SpliceSiteFinder, MaxEntScan, NNSPLICE, GeneSplicer) predict a greater than 10% difference in splicing. However, this has not been confirmed by RNA analysis. In summary, based on the above information this variant meets our laboratoryâ€šÃ„Ã´s criteria to be classified as pathogenic.

SNPedia
Classification: Pathogenic. Review status: no assertion criteria provided. Collection method: not provided. Allele origin: germline. Not counted in ClinVar's aggregate classification.
ClinVar note: Converted during submission from pathogenic to Pathogenic.

Literature cited by the submitters: PubMed 15141358 (cited by Labcorp Genetics (formerly Invitae), Labcorp); PubMed 16648375 (cited by 5 submitters); PubMed 20461111 (cited by Labcorp Genetics (formerly Invitae), Labcorp); PubMed 19006247 (cited by Labcorp Genetics (formerly Invitae), Labcorp); PubMed 25525159 (cited by Athena Diagnostics).